The following is an entry in ClinVar:

NM_004715.5(CTDP1):c.6G>T (p.Glu2Asp)

Gene: CTDP1 (CTD phosphatase subunit 1; plus strand). Cytogenetic location: 18q23.
Variant type: single nucleotide variant.
Coding change: c.6G>T on transcript NM_004715.5 (MANE Select); coding-DNA position 6, G replaced by T.
Protein change: p.Glu2Asp; replaces glutamic acid 2 with aspartic acid.
Molecular consequence: missense variant.
Genome position (GRCh38, 1-based): chr18:79,679,953, G>T. VCF-style: chr18-79679953-G-T. GRCh37 (hg19) VCF-style: chr18-77439953-G-T.
Other names: c.6G>T, p.Glu2Asp (NM_001318511.2, NM_048368.4); short protein forms E2D.
Identifiers: ClinVar variation 2103747 (VCV002103747.4), dbSNP rs1468065862, ClinGen allele CA402824767.

ClinVar aggregate classification (germline): Uncertain significance (1 of 4 stars; one submission).

gnomAD v4.1: 2 of 1,382,540 alleles (0.00014%); highest among the groups gnomAD compares: Admixed American, 0.0028%; no homozygotes.

Submission:

Labcorp Genetics (formerly Invitae), Labcorp
Classification: Uncertain significance. Last evaluated: 2022-03-18. Review status: criteria provided, single submitter. Criteria: Invitae Variant Classification Sherloc (09022015). Collection method: clinical testing. Allele origin: germline.
Comment: In summary, the available evidence is currently insufficient to determine the role of this variant in disease. Therefore, it has been classified as a Variant of Uncertain Significance. Algorithms developed to predict the effect of missense changes on protein structure and function (SIFT, PolyPhen-2, Align-GVGD) all suggest that this variant is likely to be tolerated. This variant has not been reported in the literature in individuals affected with CTDP1-related conditions. This variant is not present in population databases (gnomAD no frequency). This sequence change replaces glutamic acid, which is acidic and polar, with aspartic acid, which is acidic and polar, at codon 2 of the CTDP1 protein (p.Glu2Asp).